The following is an entry in ClinVar:

NM_024675.4(PALB2):c.2350A>G (p.Lys784Glu)

Gene: PALB2 (partner and localizer of BRCA2; minus strand). Cytogenetic location: 16p12.2.
Variant type: single nucleotide variant.
Coding change: c.2350A>G on transcript NM_024675.4 (MANE Select); coding-DNA position 2350, A replaced by G.
Protein change: p.Lys784Glu; replaces lysine 784 with glutamic acid.
Molecular consequence: missense variant. On other transcripts: intron variant (1).
Genome position (GRCh38, 1-based): chr16:23,629,804, T>C on the plus strand (A>G on the coding strand, the complement: PALB2 is on the minus strand). VCF-style: chr16-23629804-T-C. GRCh37 (hg19) VCF-style: chr16-23641125-T-C.
Other names: c.2290A>G, p.Lys764Glu (NM_001407296.1); c.2350A>G, p.Lys784Glu (NM_001407297.1, NM_001407298.1, NM_001407299.1 and 3 more transcripts); c.1465A>G, p.Lys489Glu (NM_001407304.1, NM_001407305.1, NM_001407306.1 and 5 more transcripts); c.562A>G, p.Lys188Glu (NM_001407312.1, NM_001407313.1); c.49-529A>G (NM_001407314.1); short protein forms K188E, K489E, K764E, K784E.
Identifiers: ClinVar variation 3228007 (VCV003228007.2), dbSNP rs1833331932, ClinGen allele CA395124882.

ClinVar aggregate classification (germline): Uncertain significance. Review status: criteria provided, multiple submitters, no conflicts (2 of 4 stars). 2 submissions from 2 submitters: Uncertain significance (2). Last evaluated 2025-05-13.

Conditions:
Familial cancer of breast. Also called: BREAST CANCER, FAMILIAL; Hereditary breast cancer; hereditary breast carcinoma. Identifiers: Orphanet 227535, MedGen C0346153, MONDO:0016419, OMIM 114480. Disease mechanism: loss of function.
Hereditary cancer-predisposing syndrome. Also called: Neoplastic Syndromes, Hereditary; Tumor predisposition; Hereditary neoplastic syndrome; Hereditary Cancer Syndrome. Identifiers: Orphanet 140162, MedGen C0027672, MeSH D009386, MONDO:0015356.

Submissions (2):

Labcorp Genetics (formerly Invitae), Labcorp
Classification: Uncertain significance for Familial cancer of breast. Last evaluated: 2025-05-13. Review status: criteria provided, single submitter. Criteria: Invitae Variant Classification Sherloc (09022015). Collection method: clinical testing. Allele origin: germline.
Comment: This sequence change replaces lysine, which is basic and polar, with glutamic acid, which is acidic and polar, at codon 784 of the PALB2 protein (p.Lys784Glu). This variant is not present in population databases (gnomAD no frequency). This variant has not been reported in the literature in individuals affected with PALB2-related conditions. ClinVar contains an entry for this variant (Variation ID: 3228007). Invitae Evidence Modeling of protein sequence and biophysical properties (such as structural, functional, and spatial information, amino acid conservation, physicochemical variation, residue mobility, and thermodynamic stability) indicates that this missense variant is not expected to disrupt PALB2 protein function with a negative predictive value of 80%. In summary, the available evidence is currently insufficient to determine the role of this variant in disease. Therefore, it has been classified as a Variant of Uncertain Significance.

Ambry Genetics
Classification: Uncertain significance for Hereditary cancer-predisposing syndrome. Last evaluated: 2023-11-03. Review status: criteria provided, single submitter. Criteria: Ambry Variant Classification Scheme 2023. Collection method: clinical testing. Allele origin: germline.
Comment: The p.K784E variant (also known as c.2350A>G), located in coding exon 5 of the PALB2 gene, results from an A to G substitution at nucleotide position 2350. The lysine at codon 784 is replaced by glutamic acid, an amino acid with similar properties. This amino acid position is conserved. In addition, this alteration is predicted to be tolerated by in silico analysis. Since supporting evidence is limited at this time, the clinical significance of this alteration remains unclear.